The following is an entry in ClinVar:

ClinVar aggregate classification (germline): Uncertain significance (1 of 4 stars; one submission).

Submission:

GeneDx
Classification: Uncertain significance. Last evaluated: 2025-03-11. Review status: criteria provided, single submitter. Criteria: GeneDx Variant Classification Process June 2021. Collection method: clinical testing. Allele origin: germline. Affected: yes.
Comment: Not observed at significant frequency in large population cohorts (gnomAD); In silico analysis indicates that this missense variant does not alter protein structure/function; Has not been previously published as pathogenic or benign to our knowledge

NM_003482.4(KMT2D):c.13273G>A (p.Ala4425Thr)

Gene: KMT2D (lysine methyltransferase 2D; minus strand). Cytogenetic location: 12q13.12.
Variant type: single nucleotide variant.
Coding change: c.13273G>A on transcript NM_003482.4 (MANE Select); coding-DNA position 13273, G replaced by A.
Protein change: p.Ala4425Thr; replaces alanine 4425 with threonine.
Molecular consequence: missense variant.
Genome position (GRCh38, 1-based): chr12:49,031,432, C>T on the plus strand (G>A on the coding strand, the complement: KMT2D is on the minus strand). VCF-style: chr12-49031432-C-T. GRCh37 (hg19) VCF-style: chr12-49425215-C-T.
Other names: short protein forms A4425T.
Identifiers: ClinVar variation 4083287 (VCV004083287.1).